The following is an entry in ClinVar:

ClinVar aggregate classification (germline): Uncertain significance. Review status: criteria provided, multiple submitters, no conflicts (2 of 4 stars). 2 submissions from 2 submitters: Uncertain significance (2). Last evaluated 2023-08-02.

Conditions:
Hereditary cancer-predisposing syndrome. Also called: Tumor predisposition; Neoplastic Syndromes, Hereditary; Hereditary Cancer Syndrome; Hereditary neoplastic syndrome. Identifiers: Orphanet 140162, MedGen C0027672, MeSH D009386, MONDO:0015356.
Neuroblastoma, susceptibility to, 3. Also called: ALK-Related Neuroblastic Tumor Susceptibility. Identifiers: Orphanet 635, MedGen C2751681, MONDO:0013083, OMIM 613014.

Allele frequency attached by ClinVar (database versions not stated): ExAC 0.00001; gnomAD 0.00001; ESP Exome Variant Server 0.00008.
gnomAD v4.1: 1 of 1,614,110 alleles (0.000062%); highest among the groups gnomAD compares: African/African-American, 0.0013%; no homozygotes.

Submissions (2):

Labcorp Genetics (formerly Invitae), Labcorp
Classification: Uncertain significance for Neuroblastoma, susceptibility to, 3. Last evaluated: 2023-08-02. Review status: criteria provided, single submitter. Criteria: Invitae Variant Classification Sherloc (09022015). Collection method: clinical testing. Allele origin: germline.
Comment: ClinVar contains an entry for this variant (Variation ID: 1779112). In summary, the available evidence is currently insufficient to determine the role of this variant in disease. Therefore, it has been classified as a Variant of Uncertain Significance. An algorithm developed to predict the effect of missense changes on protein structure and function (PolyPhen-2) suggests that this variant is likely to be disruptive. This variant has not been reported in the literature in individuals affected with ALK-related conditions. This variant is present in population databases (rs373833989, gnomAD 0.0009%). This sequence change replaces arginine, which is basic and polar, with serine, which is neutral and polar, at codon 579 of the ALK protein (p.Arg579Ser).

Ambry Genetics
Classification: Uncertain significance for Hereditary cancer-predisposing syndrome. Last evaluated: 2022-05-16. Review status: criteria provided, single submitter. Criteria: Ambry Variant Classification Scheme 2023. Collection method: clinical testing. Allele origin: germline.
Comment: The p.R579S variant (also known as c.1737G>T), located in coding exon 9 of the ALK gene, results from a G to T substitution at nucleotide position 1737. The arginine at codon 579 is replaced by serine, an amino acid with dissimilar properties. This amino acid position is conserved. In addition, this alteration is predicted to be tolerated by in silico analysis. Since supporting evidence is limited at this time, the clinical significance of this alteration remains unclear.

NM_004304.5(ALK):c.1737G>T (p.Arg579Ser)

Gene: ALK (ALK receptor tyrosine kinase; minus strand). Cytogenetic location: 2p23.2.
Variant type: single nucleotide variant.
Coding change: c.1737G>T on transcript NM_004304.5 (MANE Select); coding-DNA position 1737, G replaced by T.
Protein change: p.Arg579Ser; replaces arginine 579 with serine.
Molecular consequence: missense variant.
Genome position (GRCh38, 1-based): chr2:29,296,968, C>A on the plus strand (G>T on the coding strand, the complement: ALK is on the minus strand). VCF-style: chr2-29296968-C-A. GRCh37 (hg19) VCF-style: chr2-29519834-C-A.
Other names: short protein forms R579S.
Identifiers: ClinVar variation 1779112 (VCV001779112.5), dbSNP rs373833989, ClinGen allele CA1594549.